The following is an entry in ClinVar:

ClinVar aggregate classification (germline): Uncertain significance (1 of 4 stars; one submission).

Conditions:
nonsyndromic sensorineural hearing loss. Identifiers: MedGen C1842137, MeSH C537845.

Submission:

Translational Hearing Genomics Lab, Boston Children's Hospital
Classification: Uncertain significance for Nonsyndromic sensorineural hearing loss. Last evaluated: 2024-12-05. Review status: criteria provided, single submitter. Criteria: ACMG Guidelines, 2015. Collection method: clinical testing. Allele origin: unknown. Inheritance: Autosomal recessive inheritance. Affected: yes. Observed: 1 compound heterozygote.
Comment: The p.His885Arg variant in OTOA appears absent from population databases (gnomAD v4.1.0); however, variant is covered in fewer than 50% of individuals in both gnomAD v4.1.0 exomes and genomes which may indicate a low-quality site.

NM_144672.4(OTOA):c.2654A>G (p.His885Arg)

Gene: OTOA (otoancorin). Cytogenetic location: 16p12.2.
Variant type: single nucleotide variant.
Coding change: c.2654A>G on transcript NM_144672.4 (MANE Select); coding-DNA position 2654, A replaced by G.
Protein change: p.His885Arg; replaces histidine 885 with arginine.
Molecular consequence: missense variant.
Genome position (GRCh38, 1-based): chr16:21,744,915, A>G. VCF-style: chr16-21744915-A-G. GRCh37 (hg19) VCF-style: chr16-21756236-A-G.
Other names: c.2417A>G, p.His806Arg (NM_001161683.2); c.1682A>G, p.His561Arg (NM_170664.3); short protein forms H561R, H806R, H885R.
Identifiers: ClinVar variation 3385333 (VCV003385333.2).
Genomic context (GRCh38, chr16:21,744,915, plus strand): 5'-AATCTATTTTCTTTTTTTGCCTAAAGGTTTGGGACATGCCATCTTACTGGAGAGAACACC[A>G]TATCGTCTCCCTGGGGCGCATTGCTCTGGCTCTTAATGAGAGTGAGCTGGAGCAGCTGGA-3'
Protein context (NP_653273.3, residues 875-895): WDMPSYWREH[His885Arg]IVSLGRIALA